The following is an entry in ClinVar:

NM_000426.4(LAMA2):c.6924dup (p.Asp2309Ter)

Gene: LAMA2 (laminin subunit alpha 2; plus strand). Cytogenetic location: 6q22.33.
Variant type: Duplication.
Coding change: c.6924dup on transcript NM_000426.4 (MANE Select); coding-DNA position 6924, one base duplicated (T; older notation c.6924dupT).
Protein change: p.Asp2309Ter; replaces aspartic acid 2309 with a stop codon.
Molecular consequence: nonsense.
Genome position (GRCh38, 1-based): chr6:129,460,256, T duplicated; the last of 3 consecutive T bases (chr6:129,460,254-129,460,256); duplicating any one gives the same sequence. VCF-style (leftmost placement, unchanged base first): chr6-129460253-C-CT. GRCh37 (hg19) VCF-style: chr6-129781398-C-CT.
Other names: c.6924dup, p.Asp2309Ter (NM_001079823.2); short protein forms D2309*.
Identifiers: ClinVar variation 2028946 (VCV002028946.4), dbSNP rs2533433163, ClinGen allele CA2580074969.

ClinVar aggregate classification (germline): Pathogenic (1 of 4 stars; one submission).

Conditions:
LAMA2-related muscular dystrophy (LAMA2-RD). Also called: Laminin alpha 2-related dystrophy. Identifiers: MedGen C5679788, MONDO:0100228.

Submission:

Labcorp Genetics (formerly Invitae), Labcorp
Classification: Pathogenic for LAMA2-related muscular dystrophy. Last evaluated: 2022-09-03. Review status: criteria provided, single submitter. Criteria: Invitae Variant Classification Sherloc (09022015). Collection method: clinical testing. Allele origin: germline.
Comment: This variant is not present in population databases (gnomAD no frequency). For these reasons, this variant has been classified as Pathogenic. This variant has not been reported in the literature in individuals affected with LAMA2-related conditions. This sequence change creates a premature translational stop signal (p.Asp2309*) in the LAMA2 gene. It is expected to result in an absent or disrupted protein product. Loss-of-function variants in LAMA2 are known to be pathogenic (PMID: 18700894, 32904964).

Literature cited by the submitters: PubMed 18700894; PubMed 32904964.